The following is an entry in ClinVar:

NM_000256.3(MYBPC3):c.2050C>T (p.Gln684Ter)

Gene: MYBPC3 (myosin binding protein C3; minus strand). Cytogenetic location: 11p11.2.
Variant type: single nucleotide variant.
Coding change: c.2050C>T on transcript NM_000256.3 (MANE Select); coding-DNA position 2050, C replaced by T.
Protein change: p.Gln684Ter; replaces glutamine 684 with a stop codon.
Molecular consequence: nonsense.
Genome position (GRCh38, 1-based): chr11:47,339,668, G>A on the plus strand (C>T on the coding strand, the complement: MYBPC3 is on the minus strand). VCF-style: chr11-47339668-G-A. GRCh37 (hg19) VCF-style: chr11-47361219-G-A.
Other names: short protein forms Q684*.
Identifiers: ClinVar variation 3075779 (VCV003075779.1), dbSNP rs1206030542, ClinGen allele CA380321374.

ClinVar aggregate classification (germline): Likely pathogenic (1 of 4 stars; one submission).

Conditions:
Hypertrophic cardiomyopathy. Also called: HYPERTROPHIC MYOCARDIOPATHY. Identifiers: Orphanet 217569, MedGen C0007194, MeSH D002312, MONDO:0005045, HP:0001639.

gnomAD v4.1: 1 of 1,607,106 alleles (0.000062%); highest among the groups gnomAD compares: Non-Finnish European, 0.000085%; no homozygotes.

Submission:

Laboratory for Molecular Medicine, Mass General Brigham Personalized Medicine
Classification: Likely pathogenic for Hypertrophic cardiomyopathy. Last evaluated: 2019-10-14. Review status: criteria provided, single submitter. Criteria: ACMG Guidelines, 2015. Collection method: clinical testing. Allele origin: germline.
Comment: The p.Gln684X variant in MYBPC3 has not been previously reported in individuals with hypertrophic cardiomyopathy and was absent from large population studies. This nonsense variant leads to a premature termination codon at position 684, which is predicted to lead to a truncated or absent protein. Loss of function of the MYBPC3 gene is an established disease mechanism in autosomal dominant HCM. In summary, although additional studies are required to fully establish its clinical significance, this variant meets criteria to be classified as likely pathogenic for autosomal dominant HCM. ACMG/AMP Criteria applied: PVS1, PM2.